The following is an entry in ClinVar:

NM_016169.4(SUFU):c.732A>G (p.Ile244Met)

Gene: SUFU (SUFU negative regulator of hedgehog signaling; plus strand). Cytogenetic location: 10q24.32.
Variant type: single nucleotide variant.
Coding change: c.732A>G on transcript NM_016169.4 (MANE Select); coding-DNA position 732, A replaced by G.
Protein change: p.Ile244Met; replaces isoleucine 244 with methionine.
Molecular consequence: missense variant.
Genome position (GRCh38, 1-based): chr10:102,594,041, A>G. VCF-style: chr10-102594041-A-G. GRCh37 (hg19) VCF-style: chr10-104353798-A-G.
Other names: c.732A>G, p.Ile244Met (NM_001178133.2); short protein forms I244M.
Identifiers: ClinVar variation 1758344 (VCV001758344.3), dbSNP rs2545087027, ClinGen allele CA377909865.

ClinVar aggregate classification (germline): Uncertain significance (1 of 4 stars; one submission).

Conditions:
Hereditary cancer-predisposing syndrome. Also called: Neoplastic Syndromes, Hereditary; Tumor predisposition; Hereditary Cancer Syndrome; Hereditary neoplastic syndrome. Identifiers: Orphanet 140162, MedGen C0027672, MeSH D009386, MONDO:0015356.

Submission:

Ambry Genetics
Classification: Uncertain significance for Hereditary cancer-predisposing syndrome. Last evaluated: 2025-08-15. Review status: criteria provided, single submitter. Criteria: Ambry Variant Classification Scheme 2023. Collection method: clinical testing. Allele origin: germline.
Comment: The p.I244M variant (also known as c.732A>G), located in coding exon 6 of the SUFU gene, results from an A to G substitution at nucleotide position 732. The isoleucine at codon 244 is replaced by methionine, an amino acid with highly similar properties. This amino acid position is highly conserved in available vertebrate species. In addition, this alteration is predicted to be deleterious by in silico analysis. Based on the available evidence, the clinical significance of this variant remains unclear.